The following is an entry in ClinVar:

ClinVar aggregate classification (germline): Uncertain significance (1 of 4 stars; one submission).

Submission:

GeneDx
Classification: Uncertain significance. Last evaluated: 2026-03-30. Review status: criteria provided, single submitter. Criteria: GeneDx Variant Classification Process June 2021. Collection method: clinical testing. Allele origin: germline.
Comment: Not observed at significant frequency in large population cohorts (gnomAD); In silico analysis supports that this missense variant has a deleterious effect on protein structure/function; Has not been previously published as pathogenic or benign to our knowledge

NM_000368.5(TSC1):c.404T>G (p.Val135Gly)

Gene: TSC1 (TSC complex subunit 1; minus strand). Cytogenetic location: 9q34.13.
Variant type: single nucleotide variant.
Coding change: c.404T>G on transcript NM_000368.5 (MANE Select); coding-DNA position 404, T replaced by G.
Protein change: p.Val135Gly; replaces valine 135 with glycine.
Molecular consequence: missense variant. On other transcripts: non-coding transcript variant (5), 5 prime UTR variant (5).
Genome position (GRCh38, 1-based): chr9:132,923,452, A>C on the plus strand (T>G on the coding strand, the complement: TSC1 is on the minus strand). VCF-style: chr9-132923452-A-C. GRCh37 (hg19) VCF-style: chr9-135798839-A-C.
Other names: c.404T>G, p.Val135Gly (NM_001162426.2, NM_001406592.1, NM_001406593.1 and 16 more transcripts); c.251T>G, p.Val84Gly (NM_001162427.2, NM_001406612.1, NM_001406613.1 and 2 more transcripts); c.41T>G, p.Val14Gly (NM_001362177.2, NM_001406614.1, NM_001406615.1 and 10 more transcripts); c.-474T>G (NM_001406626.1, NM_001406627.1, NM_001406628.1); c.-616T>G (NM_001406629.1); c.-690T>G (NM_001406630.1); short protein forms V135G, V14G, V84G.
Identifiers: ClinVar variation 5017614 (VCV005017614.1).
Genomic context (GRCh38, chr9:132,923,452, plus strand): 5'-AAGAAATCAAGAAGATGCTGTTTCCCAGACTGTGGAATCATTGGTAGCATGGTTATCAAC[A>C]CCAAGACGCCTGTTGTGAGGACAACGACGTCAGTGTCCATCTGCAGGAGAAAAGGTCAAA-3'
Protein context (NP_000359.1, residues 125-145): DVVVLTTGVL[Val135Gly]LITMLPMIPQ